The following is an entry in ClinVar:

ClinVar aggregate classification (germline): Uncertain significance (1 of 4 stars; one submission).

Conditions:
Familial thoracic aortic aneurysm and aortic dissection (TAAD). Also called: Thoracic aortic aneurysms and dissections. Identifiers: Orphanet 91387, MedGen C4707243, MONDO:0019625.

gnomAD v4.1: 1 of 1,604,862 alleles (0.000062%); no homozygotes.

Submission:

Ambry Genetics
Classification: Uncertain significance for Familial thoracic aortic aneurysm and aortic dissection. Last evaluated: 2026-01-21. Review status: criteria provided, single submitter. Criteria: Ambry Variant Classification Scheme 2023. Collection method: clinical testing. Allele origin: germline.
Comment: The p.A2160S variant (also known as c.6478G>T), located in coding exon 52 of the FBN1 gene, results from a G to T substitution at nucleotide position 6478. The alanine at codon 2160 is replaced by serine, an amino acid with similar properties. This amino acid position is conserved. In addition, this alteration is predicted to be tolerated by in silico analysis. Based on the available evidence, the clinical significance of this variant remains unclear.

NM_000138.5(FBN1):c.6478G>T (p.Ala2160Ser)

Gene: FBN1 (fibrillin 1; minus strand). Cytogenetic location: 15q21.1.
Variant type: single nucleotide variant.
Coding change: c.6478G>T on transcript NM_000138.5 (MANE Select); coding-DNA position 6478, G replaced by T.
Protein change: p.Ala2160Ser; replaces alanine 2160 with serine.
Molecular consequence: missense variant.
Genome position (GRCh38, 1-based): chr15:48,436,979, C>A on the plus strand (G>T on the coding strand, the complement: FBN1 is on the minus strand). VCF-style: chr15-48436979-C-A. GRCh37 (hg19) VCF-style: chr15-48729176-C-A.
Other names: c.6478G>T, p.Ala2160Ser (NM_001406716.1); short protein forms A2160S.
Identifiers: ClinVar variation 4825419 (VCV004825419.1).